The following is an entry in ClinVar:

NM_007194.4(CHEK2):c.733_736del (p.Lys244_Lys245insTer)

Gene: CHEK2 (checkpoint kinase 2; minus strand). Cytogenetic location: 22q12.1.
Variant type: Deletion.
Coding change: c.733_736del on transcript NM_007194.4 (MANE Select); coding-DNA positions 733 to 736, 4 bases deleted (AAAG; older notation c.733_736delAAAG).
Protein change: p.Lys244_Lys245insTer.
Molecular consequence: nonsense. On other transcripts: frameshift variant (4).
Genome position (GRCh38, 1-based): chr22:28,711,965-28,711,968, CTTT deleted on the plus strand (AAAG on the coding strand, the reverse complement: CHEK2 is on the minus strand); deleting any 4 consecutive bases within chr22:28,711,965-28,711,971 gives the same sequence; the c. name uses the placement nearest the transcript's 3' end. VCF-style (leftmost placement, unchanged base first): chr22-28711964-ACTTT-A. GRCh37 (hg19) VCF-style: chr22-29107952-ACTTT-A.
Other names: c.733_736delAAAG (NM_007194.3); c.859_862delAAGA, p.Lys288Terfs (NM_001005735.3); c.67_70delAAGA, p.Lys24Terfs (NM_001257387.3); c.529_532delAAGA, p.Lys178Terfs (NM_001349956.3); c.730_733delAAGA, p.Lys245Terfs (NM_145862.3).
Identifiers: ClinVar variation 959858 (VCV000959858.11), dbSNP rs2053412352, ClinGen allele CA1139666367.

ClinVar aggregate classification (germline): Pathogenic. Review status: criteria provided, multiple submitters, no conflicts (2 of 4 stars). 3 submissions from 3 submitters: Pathogenic (3). Last evaluated 2025-03-03.

Conditions:
Hereditary cancer-predisposing syndrome. Also called: Tumor predisposition; Hereditary neoplastic syndrome; Neoplastic Syndromes, Hereditary; Hereditary Cancer Syndrome. Identifiers: Orphanet 140162, MedGen C0027672, MeSH D009386, MONDO:0015356.
Familial cancer of breast. Also called: BREAST CANCER, FAMILIAL; Hereditary breast cancer; hereditary breast carcinoma. Identifiers: Orphanet 227535, MedGen C0346153, MONDO:0016419, OMIM 114480. Disease mechanism: loss of function.

Submissions (3):

Labcorp Genetics (formerly Invitae), Labcorp
Classification: Pathogenic for Familial cancer of breast. Last evaluated: 2025-03-03. Review status: criteria provided, single submitter. Criteria: Invitae Variant Classification Sherloc (09022015). Collection method: clinical testing. Allele origin: germline.
Comment: This sequence change creates a premature translational stop signal (p.Lys245*) in the CHEK2 gene. It is expected to result in an absent or disrupted protein product. Loss-of-function variants in CHEK2 are known to be pathogenic (PMID: 21876083, 24713400). This variant is not present in population databases (gnomAD no frequency). This variant has not been reported in the literature in individuals affected with CHEK2-related conditions. ClinVar contains an entry for this variant (Variation ID: 959858). Algorithms developed to predict the effect of sequence changes on RNA splicing suggest that this variant may disrupt the consensus splice site. For these reasons, this variant has been classified as Pathogenic.

Ambry Genetics
Classification: Pathogenic for Hereditary cancer-predisposing syndrome. Last evaluated: 2024-10-01. Review status: criteria provided, single submitter. Criteria: Ambry Variant Classification Scheme 2023. Collection method: clinical testing. Allele origin: germline.
Comment: The c.733_736delAAAG pathogenic mutation, located in coding exon 5 of the CHEK2 gene, results from a deletion of 4 nucleotides at nucleotide positions 733 to 736, causing a translational frameshift with a predicted alternate stop codon (p.K245*). This variant is considered to be rare based on population cohorts in the Genome Aggregation Database (gnomAD). This alteration is expected to result in loss of function by premature protein truncation or nonsense-mediated mRNA decay. As such, this alteration is interpreted as a disease-causing mutation.

Myriad Genetics, Inc.
Classification: Pathogenic for Familial cancer of breast. Last evaluated: 2023-06-26. Review status: criteria provided, single submitter. Criteria: Myriad Autosomal Dominant, Autosomal Recessive and X-Linked Classification Criteria (2023). Collection method: clinical testing. Allele origin: unknown.
Comment: This variant is considered pathogenic. This variant creates a termination codon and is predicted to result in premature protein truncation.

Literature cited by the submitters: PubMed 21876083 (cited by Labcorp Genetics (formerly Invitae), Labcorp); PubMed 24713400 (cited by Labcorp Genetics (formerly Invitae), Labcorp).